The following is an entry in ClinVar:

ClinVar aggregate classification (germline): Conflicting classifications of pathogenicity. Review status: criteria provided, conflicting classifications (1 of 4 stars). 4 submissions from 4 submitters: Uncertain significance (3); Likely benign (1). Last evaluated 2025-12-03.

Conditions:
Paget disease of bone 2, early-onset (PDB2). Also called: Paget disease of bone 2. Identifiers: MedGen C4085251, MONDO:0011183, OMIM 602080.
Frontotemporal dementia and/or amyotrophic lateral sclerosis 1 (FTDALS1). Also called: C9orf72 Frontotemporal Dementia and/or Amyotrophic Lateral Sclerosis; Frontotemporal dementia with motor neuron disease 1. Identifiers: Orphanet 275872, MedGen C5779877, MONDO:0007105, OMIM 105550.
SQSTM1-related disorder. Also called: SQSTM1-Related Disorders.
Inborn genetic diseases. Identifiers: MedGen C0950123, MeSH D030342.

Allele frequency attached by ClinVar (database versions not stated): gnomAD 0.00001 and 0.00002; TOPMed 0.00008; 1000 Genomes Project 30x 0.00031; 1000 Genomes Project 0.00040.
gnomAD v4.1: 31 of 1,614,186 alleles (0.0019%); highest among the groups gnomAD compares: Admixed American, 0.05%; no homozygotes.

Submissions (4):

Labcorp Genetics (formerly Invitae), Labcorp
Classification: Likely benign for Paget disease of bone 2, early-onset; Frontotemporal dementia and/or amyotrophic lateral sclerosis 1. Last evaluated: 2025-12-03. Review status: criteria provided, single submitter. Criteria: Invitae Variant Classification Sherloc (09022015). Collection method: clinical testing. Allele origin: germline.

Ambry Genetics
Classification: Uncertain significance for Inborn genetic diseases. Last evaluated: 2025-08-09. Review status: criteria provided, single submitter. Criteria: Ambry Variant Classification Scheme 2023. Collection method: clinical testing. Allele origin: germline.

PreventionGenetics, part of Exact Sciences
Classification: Uncertain significance for SQSTM1-related condition. Last evaluated: 2025-02-11. Review status: criteria provided, single submitter. Criteria: ACMG Guidelines, 2015. Collection method: clinical testing. Allele origin: germline.
Comment: The SQSTM1 c.763G>C variant is predicted to result in the amino acid substitution p.Val255Leu. To our knowledge, this variant has not been reported in the literature. This variant is reported in 0.072% of alleles in individuals of Latino descent in gnomAD. Although we suspect that this variant may be benign, at this time, the clinical significance of this variant is uncertain due to the absence of conclusive functional and genetic evidence.

Mayo Clinic Laboratories, Mayo Clinic
Classification: Uncertain significance. Last evaluated: 2024-05-16. Review status: criteria provided, single submitter. Criteria: ACMG Guidelines, 2015. Collection method: clinical testing. Allele origin: germline. Observed: 1 variant allele.

NM_003900.5(SQSTM1):c.763G>C (p.Val255Leu)

Gene: SQSTM1 (sequestosome 1; plus strand). Cytogenetic location: 5q35.3.
Variant type: single nucleotide variant.
Coding change: c.763G>C on transcript NM_003900.5 (MANE Select); coding-DNA position 763, G replaced by C.
Protein change: p.Val255Leu; replaces valine 255 with leucine.
Molecular consequence: missense variant.
Genome position (GRCh38, 1-based): chr5:179,833,040, G>C. VCF-style: chr5-179833040-G-C. GRCh37 (hg19) VCF-style: chr5-179260040-G-C.
Other names: p.Val255Leu; c.511G>C, p.Val171Leu (NM_001142298.2, NM_001142299.2); short protein forms V171L, V255L.
Identifiers: ClinVar variation 475404 (VCV000475404.16), dbSNP rs182522590, ClinGen allele CA3600669.
Genomic context (GRCh38, chr5:179,833,040, plus strand): 5'-GGTGCATCCTTGGGGGAACTTCACGGCTTGCTCTTTCCTCCTCCGCCTCTAGGCATTGAA[G>C]TTGATATCGATGTGGAGCACGGAGGGAAAAGAAGCCGCCTGACCCCCGTCTCTCCAGAGA-3'
Protein context (NP_003891.1, residues 245-265): AAALSPLGIE[Val255Leu]DIDVEHGGKR